The following is an entry in ClinVar:

NM_001037333.3(CYFIP2):c.992+7G>T

Gene: CYFIP2 (cytoplasmic FMR1 interacting protein 2; plus strand). Cytogenetic location: 5q33.3.
Variant type: single nucleotide variant.
Coding change: c.992+7G>T on transcript NM_001037333.3 (MANE Select); 7 bases into the intron after coding-DNA position 992, G replaced by T.
Molecular consequence: intron variant.
Genome position (GRCh38, 1-based): chr5:157,309,841, G>T. VCF-style: chr5-157309841-G-T. GRCh37 (hg19) VCF-style: chr5-156736849-G-T.
Other names: c.992+7G>T (NM_001291722.2, NM_014376.4); c.914+7G>T (NM_001291721.2).
Identifiers: ClinVar variation 3242068 (VCV003242068.1), dbSNP rs775450195.

ClinVar aggregate classification (germline): Uncertain significance (1 of 4 stars; one submission).

Conditions:
Developmental and epileptic encephalopathy, 65. Also called: EPILEPTIC ENCEPHALOPATHY, EARLY INFANTILE, 65. Identifiers: MedGen C4693925, MONDO:0033374, OMIM 618008.

Submission:

Neuberg Centre For Genomic Medicine, NCGM
Classification: Uncertain significance for Developmental and epileptic encephalopathy, 65. Review status: criteria provided, single submitter. Criteria: ACMG Guidelines, 2015. Collection method: clinical testing. Allele origin: germline. Inheritance: Autosomal dominant inheritance. Affected: yes.
Comment: The splice region c.992+7G>T variant in the CYFIP2 gene has not been reported previously as a pathogenic variant nor as a benign variant, to our knowledge. The variant is absent in gnomAD Exomes. The splice AI tool predicts the variant to be Benign. For these reasons, this variant has been classified as Uncertain Significance.